The following is an entry in ClinVar:

ClinVar aggregate classification (germline): Uncertain significance. Review status: criteria provided, multiple submitters, no conflicts (2 of 4 stars). 4 submissions from 4 submitters: Uncertain significance (4). Last evaluated 2026-01-28.

Conditions:
Familial thoracic aortic aneurysm and aortic dissection (TAAD). Also called: Thoracic aortic aneurysms and dissections. Identifiers: Orphanet 91387, MedGen C4707243, MONDO:0019625.
Aortic aneurysm, familial thoracic 6 (AAT6). Also called: FAMILIAL THORACIC AORTIC ANEURYSM WITH LIVEDO RETICULARIS AND IRIS FLOCCULI. Identifiers: MedGen C2673186, MONDO:0012730, OMIM 611788.

Allele frequency attached by ClinVar (database versions not stated): gnomAD 0.00001; TOPMed 0.00001.

Submissions (4):

Labcorp Genetics (formerly Invitae), Labcorp
Classification: Uncertain significance for Aortic aneurysm, familial thoracic 6. Last evaluated: 2026-01-28. Review status: criteria provided, single submitter. Criteria: Invitae Variant Classification Sherloc (09022015). Collection method: clinical testing. Allele origin: germline.
Comment: This sequence change affects the initiator codon of the ACTA2 mRNA. This change may impact translation initiation or efficiency. The next in-frame methionine is located at codon 46. This variant is not present in population databases (gnomAD no frequency). Disruption of the initiator codon has been observed in individual(s) with aortic dissection (PMID: 29642797). ClinVar contains an entry for this variant (Variation ID: 199663). In summary, the available evidence is currently insufficient to determine the role of this variant in disease. Therefore, it has been classified as a Variant of Uncertain Significance.

Ambry Genetics
Classification: Uncertain significance for Familial thoracic aortic aneurysm and aortic dissection. Last evaluated: 2025-10-06. Review status: criteria provided, single submitter. Criteria: Ambry Variant Classification Scheme 2023. Collection method: clinical testing. Allele origin: germline.
Comment: The p.M1? variant (also known as c.1A>G) is located in coding exon 1 of the ACTA2 gene and results from an A to G substitution at nucleotide position 1. This alters the methionine residue at the initiation codon (ATG). Sequence variations that modify the initiation codon are expected to result in either loss of translation initiation, N-terminal truncation, or cause a shift in the mRNA reading frame. However, loss of function of ACTA2 has not been established as a mechanism of disease. Based on the available evidence, the clinical significance of this alteration remains unclear.

Color Diagnostics, LLC DBA Color Health
Classification: Uncertain significance for Familial thoracic aortic aneurysm and aortic dissection. Last evaluated: 2025-01-27. Review status: criteria provided, single submitter. Criteria: ACMG Guidelines, 2015. Collection method: clinical testing. Allele origin: germline.
Comment: This variant results in the loss of the translation initiator methionine at codon 1 of the ACTA2 gene. To our knowledge, functional studies have not been reported for this variant. This variant has been reported in an individual affected with type A dissection (PMID: 29642797). This variant has not been identified in the general population by the Genome Aggregation Database (gnomAD). The available evidence is insufficient to determine the role of this variant in disease conclusively. Therefore, this variant is classified as a Variant of Uncertain Significance.

GeneDx
Classification: Uncertain significance. Last evaluated: 2020-08-26. Review status: criteria provided, single submitter. Criteria: GeneDx Variant Classification Process June 2021. Collection method: clinical testing. Allele origin: germline. Affected: yes.
Comment: Not observed in large population cohorts (Lek et al., 2016); Initiation codon variant in a gene for which loss-of-function is not a known mechanism of disease; Has not been previously published as pathogenic or benign to our knowledge

Literature cited by the submitters: PubMed 29642797 (cited by 3 submitters).

NM_001613.4(ACTA2):c.1A>G (p.Met1Val)

Gene: ACTA2 (actin alpha 2, smooth muscle; minus strand). Cytogenetic location: 10q23.31.
Variant type: single nucleotide variant.
Coding change: c.1A>G on transcript NM_001613.4 (MANE Select); coding-DNA position 1, A replaced by G.
Protein change: p.Met1Val; changes the start codon (methionine 1).
Molecular consequence: missense variant, initiator codon variant.
Genome position (GRCh38, 1-based): chr10:88,948,930, T>C on the plus strand (A>G on the coding strand, the complement: ACTA2 is on the minus strand). VCF-style: chr10-88948930-T-C. GRCh37 (hg19) VCF-style: chr10-90708687-T-C.
Other names: p.M1V:ATG>GTG; c.1A>G, p.Met1Val (NM_001141945.3, NM_001320855.2, NM_001406462.1 and 7 more transcripts); short protein forms M1V.
Identifiers: ClinVar variation 199663 (VCV000199663.10), dbSNP rs794728019, ClinGen allele CA006856.